The following is an entry in ClinVar:

ClinVar aggregate classification (germline): Uncertain significance. Review status: criteria provided, multiple submitters, no conflicts (2 of 4 stars). 2 submissions from 2 submitters: Uncertain significance (2). Last evaluated 2021-12-15.

Conditions:
Cholestanol storage disease (CTX). Also called: CTX: Cerebrotendinous xanthomatosis; CEREBRAL CHOLESTERINOSIS; Cerebrotendinous Xanthomatosis. Identifiers: Orphanet 909, MedGen C0238052, MONDO:0008948, OMIM 213700.

Allele frequency attached by ClinVar (database versions not stated): gnomAD exomes below 0.00001; gnomAD 0.00001; TOPMed 0.00001.
gnomAD v4.1: 3 of 1,612,662 alleles (0.00019%); highest among the groups gnomAD compares: African/African-American, 0.004%; no homozygotes.

Submissions (2):

Labcorp Genetics (formerly Invitae), Labcorp
Classification: Uncertain significance for Cholestanol storage disease. Last evaluated: 2021-12-15. Review status: criteria provided, single submitter. Criteria: Invitae Variant Classification Sherloc (09022015). Collection method: clinical testing. Allele origin: germline.
Comment: In summary, the available evidence is currently insufficient to determine the role of this variant in disease. Therefore, it has been classified as a Variant of Uncertain Significance. Algorithms developed to predict the effect of sequence changes on RNA splicing suggest that this variant may create or strengthen a splice site. Advanced modeling of protein sequence and biophysical properties (such as structural, functional, and spatial information, amino acid conservation, physicochemical variation, residue mobility, and thermodynamic stability) performed at Invitae indicates that this missense variant is not expected to disrupt CYP27A1 protein function. ClinVar contains an entry for this variant (Variation ID: 500079). This variant has not been reported in the literature in individuals affected with CYP27A1-related conditions. This variant is not present in population databases (gnomAD no frequency). This sequence change replaces threonine, which is neutral and polar, with serine, which is neutral and polar, at codon 148 of the CYP27A1 protein (p.Thr148Ser).

Eurofins Ntd Llc (ga)
Classification: Uncertain significance. Last evaluated: 2017-01-23. Review status: criteria provided, single submitter. Criteria: EGL Classification Definitions 2015. Collection method: clinical testing. Allele origin: germline. Observed: 1 variant allele, 1 heterozygote.

NM_000784.4(CYP27A1):c.443C>G (p.Thr148Ser)

Gene: CYP27A1 (cytochrome P450 family 27 subfamily A member 1; plus strand). Cytogenetic location: 2q35.
Variant type: single nucleotide variant.
Coding change: c.443C>G on transcript NM_000784.4 (MANE Select); coding-DNA position 443, C replaced by G.
Protein change: p.Thr148Ser; replaces threonine 148 with serine.
Molecular consequence: missense variant.
Genome position (GRCh38, 1-based): chr2:218,809,764, C>G. VCF-style: chr2-218809764-C-G. GRCh37 (hg19) VCF-style: chr2-219674487-C-G.
Other names: short protein forms T148S.
Identifiers: ClinVar variation 500079 (VCV000500079.9), dbSNP rs1404621754, ClinGen allele CA350584186.
Genomic context (GRCh38, chr2:218,809,764, plus strand): 5'-ACGACATGGAGCTATGGAAGGAGCACCGGGACCAGCACGACCTGACCTATGGGCCGTTCA[C>G]CACGTGAGCTGGGGCCTGAAGGGACTGGAACAGGGCCCCAGAGGGCCAGGGCGAAAGACA-3'
Protein context (NP_000775.1, residues 138-158): DQHDLTYGPF[Thr148Ser]TEGHHWYQLR